The following is an entry in ClinVar:

NM_001329943.3(KIAA0586):c.831C>T (p.Leu277=)

Gene: KIAA0586 (KIAA0586; plus strand). Cytogenetic location: 14q23.1.
Variant type: single nucleotide variant.
Coding change: c.831C>T on transcript NM_001329943.3 (MANE Select); coding-DNA position 831, C replaced by T.
Protein change: p.Leu277=; no amino-acid change (leucine 277 retained).
Molecular consequence: synonymous variant.
Genome position (GRCh38, 1-based): chr14:58,448,363, C>T. VCF-style: chr14-58448363-C-T. GRCh37 (hg19) VCF-style: chr14-58915081-C-T.
Other names: c.990C>T, p.Leu330= (NM_001244189.2); c.786C>T, p.Leu262= (NM_001244190.2); c.576C>T, p.Leu192= (NM_001244191.2, NM_001329945.2, NM_001364700.1 and 1 more transcripts); c.699C>T, p.Leu233= (NM_001244192.2); c.411C>T, p.Leu137= (NM_001244193.2); c.831C>T, p.Leu277= (NM_001329944.2, NM_001329946.2, NM_001329947.2 and 1 more transcripts).
Identifiers: ClinVar variation 475455 (VCV000475455.11), dbSNP rs780520735, ClinGen allele CA7205493.
Genomic context (GRCh38, chr14:58,448,363, plus strand): 5'-ATATTTGAAAATAATAAAATAATCTTATTTCTTCTAGACTCATTTTATTAGTGCTGCACT[C>T]AAGACTAGTAGTTTTCAGCCTGTTAGTATGCCCTCCTCCAGAGCAGTGGAAAAGTATTCC-3'
Protein context (NP_001316872.1, residues 267-287): DIQTHFISAA[Leu277=]KTSSFQPVSM

ClinVar aggregate classification (germline): Pathogenic. Review status: criteria provided, multiple submitters, no conflicts (2 of 4 stars). 4 submissions from 4 submitters: Pathogenic (4). Last evaluated 2026-02-19.

Conditions:
KIAA0586-related disorder. Also called: KIAA0586- Related disorders; KIAA0586-related condition.
Joubert syndrome 23 (JBTS23). Identifiers: Orphanet 475, MedGen C4084822, MONDO:0014664, OMIM 616490.
Short-rib thoracic dysplasia 14 with polydactyly (SRTD14). Identifiers: Orphanet 397715, MedGen C4225286, MONDO:0014688, OMIM 616546.

Allele frequency attached by ClinVar (database versions not stated): TOPMed 0.00002; gnomAD 0.00003.
gnomAD v4.1: 14 of 1,597,820 alleles (0.00088%); highest among the groups gnomAD compares: Non-Finnish European, 0.0012%; no homozygotes.

Submissions (4):

GeneDx
Classification: Pathogenic. Last evaluated: 2026-02-19. Review status: criteria provided, single submitter. Criteria: GeneDx Variant Classification Process June 2021. Collection method: clinical testing. Allele origin: germline.
Comment: RNA studies demonstrate a damaging effect leading to aberrant splicing and protein truncation in a gene for which loss of function is a known mechanism of disease (PMID: 26386044); This variant is associated with the following publications: (PMID: 26386044, 28497568)

Labcorp Genetics (formerly Invitae), Labcorp
Classification: Pathogenic for Joubert syndrome 23; Short-rib thoracic dysplasia 14 with polydactyly. Last evaluated: 2025-12-03. Review status: criteria provided, single submitter. Criteria: Invitae Variant Classification Sherloc (09022015). Collection method: clinical testing. Allele origin: germline.
Comment: This sequence change affects codon 330 of the KIAA0586 mRNA. It is a 'silent' change, meaning that it does not change the encoded amino acid sequence of the KIAA0586 protein. This variant is present in population databases (rs780520735, gnomAD 0.006%). This variant has been observed in individual(s) with clinical features of Joubert syndrome and related disorders (PMID: 26386044, 28497568; internal data). In at least one individual the data is consistent with being in trans (on the opposite chromosome) from a pathogenic variant. It has also been observed to segregate with disease in related individuals. ClinVar contains an entry for this variant (Variation ID: 475455). Algorithms developed to predict the effect of sequence changes on RNA splicing suggest that this variant may disrupt the consensus splice site. For these reasons, this variant has been classified as Pathogenic.

Blueprint Genetics
Classification: Pathogenic for KIAA0586-related disorders. Last evaluated: 2021-12-01. Review status: criteria provided, single submitter. Criteria: ACMG Guidelines, 2015. Collection method: clinical testing. Allele origin: germline. Affected: yes. Observed: 2 variant alleles.

Clinical Genetics Service, Universitary Hospital 12 de Octubre
Classification: Pathogenic for Joubert syndrome 23. Review status: criteria provided, single submitter. Criteria: ACMG Guidelines, 2015. Collection method: clinical testing. Allele origin: paternal. Affected: yes.

Literature cited by the submitters: PubMed 26386044 (cited by Labcorp Genetics (formerly Invitae), Labcorp); PubMed 28497568 (cited by Labcorp Genetics (formerly Invitae), Labcorp).